The following is an entry in ClinVar:

ClinVar aggregate classification (germline): Uncertain significance (1 of 4 stars; one submission).

Submission:

GeneDx
Classification: Uncertain significance. Last evaluated: 2026-03-31. Review status: criteria provided, single submitter. Criteria: GeneDx Variant Classification Process June 2021. Collection method: clinical testing. Allele origin: germline.
Comment: Not observed at significant frequency in large population cohorts (gnomAD); In silico analysis supports that this missense variant has a deleterious effect on protein structure/function; Has not been previously published as pathogenic or benign to our knowledge

NM_015570.4(AUTS2):c.556G>A (p.Asp186Asn)

Gene: AUTS2 (activator of transcription and developmental regulator AUTS2; plus strand). Cytogenetic location: 7q11.22.
Variant type: single nucleotide variant.
Coding change: c.556G>A on transcript NM_015570.4 (MANE Select); coding-DNA position 556, G replaced by A.
Protein change: p.Asp186Asn; replaces aspartic acid 186 with asparagine.
Molecular consequence: missense variant.
Genome position (GRCh38, 1-based): chr7:70,118,165, G>A. VCF-style: chr7-70118165-G-A. GRCh37 (hg19) VCF-style: chr7-69583151-G-A.
Other names: c.556G>A, p.Asp186Asn (NM_001127231.3, NM_001127232.3); short protein forms D186N.
Identifiers: ClinVar variation 5017724 (VCV005017724.1).